The following is an entry in ClinVar:

ClinVar aggregate classification (germline): Uncertain significance (1 of 4 stars; one submission).

Conditions:
GRN-related frontotemporal lobar degeneration with Tdp43 inclusions (FTD2). Also called: DEMENTIA, HEREDITARY DYSPHASIC DISINHIBITION; FRONTOTEMPORAL LOBAR DEGENERATION WITH UBIQUITIN-POSITIVE INCLUSIONS; FTLD-TDP, GRN-RELATED; GRN Frontotemporal Dementia; FRONTOTEMPORAL DEMENTIA WITH TDP43 INCLUSIONS, GRN-RELATED. Identifiers: Orphanet 100070, Orphanet 282, MedGen C1843792, MONDO:0011842, OMIM 607485. Disease mechanism: loss of function.
Neuronal ceroid lipofuscinosis 11. Also called: GRN-Related Neuronal Ceroid-Lipofuscinosis. Identifiers: Orphanet 314629, Orphanet 79262, MedGen C3539123, MONDO:0013866, OMIM 614706.

Submission:

Labcorp Genetics (formerly Invitae), Labcorp
Classification: Uncertain significance for Neuronal ceroid lipofuscinosis 11; GRN-related frontotemporal lobar degeneration with Tdp43 inclusions. Last evaluated: 2022-08-05. Review status: criteria provided, single submitter. Criteria: Invitae Variant Classification Sherloc (09022015). Collection method: clinical testing. Allele origin: germline.
Comment: In summary, the available evidence is currently insufficient to determine the role of this variant in disease. Therefore, it has been classified as a Variant of Uncertain Significance. Algorithms developed to predict the effect of missense changes on protein structure and function are either unavailable or do not agree on the potential impact of this missense change (SIFT: "Tolerated"; PolyPhen-2: "Probably Damaging"; Align-GVGD: "Class C0"). This variant has not been reported in the literature in individuals affected with GRN-related conditions. This variant is not present in population databases (gnomAD no frequency). This sequence change replaces cysteine, which is neutral and slightly polar, with arginine, which is basic and polar, at codon 495 of the GRN protein (p.Cys495Arg).

NM_002087.4(GRN):c.1483T>C (p.Cys495Arg)

Gene: GRN (granulin precursor; plus strand). Cytogenetic location: 17q21.31.
Variant type: single nucleotide variant.
Coding change: c.1483T>C on transcript NM_002087.4 (MANE Select); coding-DNA position 1483, T replaced by C.
Protein change: p.Cys495Arg; replaces cysteine 495 with arginine.
Molecular consequence: missense variant.
Genome position (GRCh38, 1-based): chr17:44,352,410, T>C. VCF-style: chr17-44352410-T-C. GRCh37 (hg19) VCF-style: chr17-42429778-T-C.
Other names: short protein forms C495R.
Identifiers: ClinVar variation 1715068 (VCV001715068.5), dbSNP rs2510058286, ClinGen allele CA399770009.